The following is an entry in ClinVar:

NM_001457.4(FLNB):c.5395C>A (p.His1799Asn)

Gene: FLNB (filamin B; plus strand). Cytogenetic location: 3p14.3.
Variant type: single nucleotide variant.
Coding change: c.5395C>A on transcript NM_001457.4 (MANE Select); coding-DNA position 5395, C replaced by A.
Protein change: p.His1799Asn; replaces histidine 1799 with asparagine.
Molecular consequence: missense variant.
Genome position (GRCh38, 1-based): chr3:58,143,583, C>A. VCF-style: chr3-58143583-C-A. GRCh37 (hg19) VCF-style: chr3-58129310-C-A.
Other names: c.5488C>A, p.His1830Asn (NM_001164317.2); c.5362C>A, p.His1788Asn (NM_001164318.2); c.5323C>A, p.His1775Asn (NM_001164319.2); short protein forms H1788N, H1799N, H1775N, H1830N.
Identifiers: ClinVar variation 3635742 (VCV003635742.2).

ClinVar aggregate classification (germline): Uncertain significance (1 of 4 stars; one submission).

gnomAD v4.1: 1 of 1,614,138 alleles (0.000062%); highest among the groups gnomAD compares: Non-Finnish European, 0.000085%; no homozygotes.

Submission:

Labcorp Genetics (formerly Invitae), Labcorp
Classification: Uncertain significance. Last evaluated: 2024-07-13. Review status: criteria provided, single submitter. Criteria: Invitae Variant Classification Sherloc (09022015). Collection method: clinical testing. Allele origin: germline.
Comment: This sequence change replaces histidine, which is basic and polar, with asparagine, which is neutral and polar, at codon 1799 of the FLNB protein (p.His1799Asn). This variant is not present in population databases (gnomAD no frequency). This variant has not been reported in the literature in individuals affected with FLNB-related conditions. Advanced modeling of protein sequence and biophysical properties (such as structural, functional, and spatial information, amino acid conservation, physicochemical variation, residue mobility, and thermodynamic stability) performed at Invitae indicates that this missense variant is not expected to disrupt FLNB protein function with a negative predictive value of 95%. In summary, the available evidence is currently insufficient to determine the role of this variant in disease. Therefore, it has been classified as a Variant of Uncertain Significance.